The following is an entry in ClinVar:

ClinVar aggregate classification (germline): Conflicting classifications of pathogenicity. Review status: criteria provided, conflicting classifications (1 of 4 stars). 8 submissions from 8 submitters: Uncertain significance (4); Benign (1); Likely benign (3). Last evaluated 2025-11-27.

Conditions:
Hereditary cancer-predisposing syndrome. Also called: Hereditary neoplastic syndrome; Tumor predisposition; Neoplastic Syndromes, Hereditary; Hereditary Cancer Syndrome. Identifiers: Orphanet 140162, MedGen C0027672, MeSH D009386, MONDO:0015356.
Tuberous sclerosis syndrome (TSC). Also called: Tuberous Sclerosis Complex; Tuberous sclerosis. Identifiers: Orphanet 805, MedGen C0041341, MONDO:0001734.
Tuberous sclerosis 2 (TSC2). Identifiers: Orphanet 805, MedGen C1860707, MONDO:0013199, OMIM 613254.
Lymphangiomyomatosis (LAM). Also called: Lymphangioleiomyomatosis; Lymphangioleiomyomatosis, somatic. Identifiers: Orphanet 538, MedGen C0751674, MONDO:0011705, OMIM 606690.
Isolated focal cortical dysplasia type II (FCORD2). Also called: Focal cortical dysplasia type II; CORTICAL DYSPLASIA OF TAYLOR. Identifiers: Orphanet 268994, MedGen C1846385, MONDO:0011818, OMIM 607341, HP:0032051.

Allele frequency attached by ClinVar (database versions not stated): TOPMed 0.00001.

Submissions (8):

Labcorp Genetics (formerly Invitae), Labcorp
Classification: Likely benign for Tuberous sclerosis 2. Last evaluated: 2025-11-27. Review status: criteria provided, single submitter. Criteria: Invitae Variant Classification Sherloc (09022015). Collection method: clinical testing. Allele origin: germline.

All of Us Research Program, National Institutes of Health
Classification: Uncertain significance for Tuberous sclerosis syndrome. Last evaluated: 2024-04-16. Review status: criteria provided, single submitter. Criteria: ACMG Guidelines, 2015. Collection method: clinical testing. Allele origin: germline. Inheritance: Autosomal dominant inheritance. Observed: 4 variant alleles, 4 heterozygotes.
Comment: This missense variant replaces arginine with glycine at codon 1409 of the TSC2 protein. Computational prediction is inconclusive regarding the impact of this variant on protein structure and function (internally defined REVEL score threshold 0.5 < inconclusive < 0.7, PMID: 27666373). A functional study demonstrated no effect on TSC1 or TSC2 protein stability, or on TSC1-TSC2 dependent inhibition of TORC1 activity (PMID: 31799751). This variant has been reported in an individual affected with definitive tuberous sclerosis complex (PMID: 31799751). This variant has not been identified in the general population by the Genome Aggregation Database (gnomAD). The available evidence is insufficient to determine the role of this variant in disease conclusively. Therefore, this variant is classified as a Variant of Uncertain Significance.

This study involves interpretation of variants in research participants for the purpose of population health screening. Participant phenotype was not available at the time of variant classification. Additional details can be found in publication PMID: 35346344, PMCID: PMC8962531

Color Diagnostics, LLC DBA Color Health
Classification: Uncertain significance for Tuberous sclerosis syndrome. Last evaluated: 2024-03-18. Review status: criteria provided, single submitter. Criteria: ACMG Guidelines, 2015. Collection method: clinical testing. Allele origin: germline.
Comment: This missense variant replaces arginine with glycine at codon 1409 of the TSC2 protein. Computational prediction is inconclusive regarding the impact of this variant on protein structure and function. A functional study demonstrated no effect on TSC1 or TSC2 protein stability, or on TSC1-TSC2 dependent inhibition of TORC1 activity (PMID: 31799751). This variant has been reported in an individual affected with definitive tuberous sclerosis complex (PMID: 31799751). This variant has not been identified in the general population by the Genome Aggregation Database (gnomAD). The available evidence is insufficient to determine the role of this variant in disease conclusively. Therefore, this variant is classified as a Variant of Uncertain Significance.

Fulgent Genetics
Classification: Uncertain significance for Lymphangiomyomatosis; Isolated focal cortical dysplasia type II; Tuberous sclerosis 2. Last evaluated: 2024-03-14. Review status: criteria provided, single submitter. Criteria: ACMG Guidelines, 2015. Collection method: clinical testing. Allele origin: germline.

CeGaT Center for Human Genetics Tuebingen
Classification: Uncertain significance. Last evaluated: 2023-02-01. Review status: criteria provided, single submitter. Criteria: CeGaT Center For Human Genetics Tuebingen Variant Classification Criteria Version 2. Collection method: clinical testing. Allele origin: germline. Affected: yes. Observed: 1 variant allele.
Comment: TSC2: PM2, BP4, BS3:Supporting

Ambry Genetics
Classification: Likely benign for Hereditary cancer-predisposing syndrome. Last evaluated: 2022-10-31. Review status: criteria provided, single submitter. Criteria: Ambry Variant Classification Scheme 2023. Collection method: clinical testing. Allele origin: germline.

Genome-Nilou Lab
Classification: Likely benign for Tuberous sclerosis 2. Last evaluated: 2021-11-07. Review status: criteria provided, single submitter. Criteria: ACMG Guidelines, 2015. Collection method: clinical testing. Allele origin: germline. Affected: no.

GeneDx
Classification: Benign. Last evaluated: 2020-04-10. Review status: criteria provided, single submitter. Criteria: GeneDx Variant Classification Process June 2021. Collection method: clinical testing. Allele origin: germline. Affected: yes.
Comment: Not observed in large population cohorts (Lek et al., 2016); In silico analysis supports that this missense variant does not alter protein structure/function; This variant is associated with the following publications: (PMID: 31799751)

Literature cited by the submitters: PubMed 31799751 (cited by 3 submitters).

NM_000548.5(TSC2):c.4225C>G (p.Arg1409Gly)

Gene: TSC2 (TSC complex subunit 2; plus strand). Cytogenetic location: 16p13.3.
Variant type: single nucleotide variant.
Coding change: c.4225C>G on transcript NM_000548.5 (MANE Select); coding-DNA position 4225, C replaced by G.
Protein change: p.Arg1409Gly; replaces arginine 1409 with glycine.
Molecular consequence: missense variant.
Genome position (GRCh38, 1-based): chr16:2,084,447, C>G. VCF-style: chr16-2084447-C-G. GRCh37 (hg19) VCF-style: chr16-2134448-C-G.
Other names: c.4024C>G, p.Arg1342Gly (NM_001077183.3); c.4156C>G, p.Arg1386Gly (NM_001114382.3); c.3916C>G, p.Arg1306Gly (NM_001318827.2); c.3880C>G, p.Arg1294Gly (NM_001318829.2); c.3493C>G, p.Arg1165Gly (NM_001318831.2); c.4057C>G, p.Arg1353Gly (NM_001318832.2); c.4027C>G, p.Arg1343Gly (NM_001363528.2); c.4093C>G, p.Arg1365Gly (NM_001370404.1); and 1 more; short protein forms R1409G, R1306G, R1365G, R1165G, R1294G, R1386G, R1366G, R1342G.
Identifiers: ClinVar variation 468071 (VCV000468071.49), dbSNP rs45517333, ClinGen allele CA276753368.